The following is an entry in ClinVar:

ClinVar aggregate classification (germline): Likely benign. Review status: criteria provided, multiple submitters, no conflicts (2 of 4 stars). 4 submissions from 4 submitters: Likely benign (4). Last evaluated 2025-11-24.

Conditions:
COACH syndrome 3. Identifiers: MedGen C5436841, MONDO:0030862, OMIM 619113.
Joubert syndrome 7 (JBTS7). Identifiers: Orphanet 220497, MedGen C1969053, MONDO:0012694, OMIM 611560.
Meckel syndrome, type 5 (MKS5). Identifiers: Orphanet 564, MedGen C1969052, MONDO:0012695, OMIM 611561.
Joubert syndrome. Also called: Familial aplasia of the vermis; JOUBERT-BOLTSHAUSER SYNDROME. Identifiers: Orphanet 475, MedGen C5979921, MONDO:0018772.
Meckel-Gruber syndrome. Also called: DYSENCEPHALIA SPLANCHNOCYSTICA; GRUBER SYNDROME; Dysencephalia splachnocystica. Identifiers: Orphanet 564, MedGen C0265215, MONDO:0018921.

Allele frequency attached by ClinVar (database versions not stated): ExAC 0.00002; gnomAD 0.00003; gnomAD exomes 0.00004 and 0.00007; TOPMed 0.00004; ESP Exome Variant Server 0.00008.
gnomAD v4.1: 97 of 1,594,178 alleles (0.0061%); highest among the groups gnomAD compares: Non-Finnish European, 0.0078%; no homozygotes.

Submissions (4):

Labcorp Genetics (formerly Invitae), Labcorp
Classification: Likely benign for Joubert syndrome; Meckel-Gruber syndrome. Last evaluated: 2025-11-24. Review status: criteria provided, single submitter. Criteria: Invitae Variant Classification Sherloc (09022015). Collection method: clinical testing. Allele origin: germline.

Blueprint Genetics
Classification: Likely benign. Last evaluated: 2021-10-10. Review status: criteria provided, single submitter. Criteria: ACMG Guidelines, 2015. Collection method: clinical testing. Allele origin: germline.

Fulgent Genetics
Classification: Likely benign for Joubert syndrome 7; Meckel syndrome, type 5; COACH syndrome 3. Last evaluated: 2021-08-18. Review status: criteria provided, single submitter. Criteria: ACMG Guidelines, 2015. Collection method: clinical testing. Allele origin: unknown.

GeneDx
Classification: Likely benign. Last evaluated: 2017-09-29. Review status: criteria provided, single submitter. Criteria: GeneDx Variant Classification (06012015). Collection method: clinical testing. Allele origin: germline. Affected: yes.
Comment: This variant is considered likely benign or benign based on one or more of the following criteria: it is a conservative change, it occurs at a poorly conserved position in the protein, it is predicted to be benign by multiple in silico algorithms, and/or has population frequency not consistent with disease.

NM_015272.5(RPGRIP1L):c.2875-19A>G

Gene: RPGRIP1L (RPGRIP1 like; minus strand). Cytogenetic location: 16q12.2.
Variant type: single nucleotide variant.
Coding change: c.2875-19A>G on transcript NM_015272.5 (MANE Select); 19 bases into the intron before coding-DNA position 2875, A replaced by G.
Molecular consequence: intron variant.
Genome position (GRCh38, 1-based): chr16:53,641,135, T>C on the plus strand (A>G on the coding strand, the complement: RPGRIP1L is on the minus strand). VCF-style: chr16-53641135-T-C. GRCh37 (hg19) VCF-style: chr16-53675047-T-C.
Other names: c.2875-19A>G (NM_001127897.4, NM_001330538.2, NM_001308334.3).
Identifiers: ClinVar variation 512387 (VCV000512387.11), dbSNP rs370091137, ClinGen allele CA8057432.
Genomic context (GRCh38, chr16:53,641,135, plus strand): 5'-ATCTACAGGTGTTAAACGTTGTCTTGGTTTAGGTCTTGGTGCCTAAGACAAACCAACCAA[T>C]GTGTCAGACTGAGTATGATGACCATTAGATTTCAGATAAGACTTTAGCTATTATTATTAT-3'